The following is an entry in ClinVar:

ClinVar aggregate classification (germline): Conflicting classifications of pathogenicity. Review status: criteria provided, conflicting classifications (1 of 4 stars). 2 submissions from 2 submitters: Likely pathogenic (1); Uncertain significance (1). Last evaluated 2023-12-12.

Conditions:
Arrhythmogenic right ventricular dysplasia 9 (ARVD9). Also called: Arrhythmogenic Right Ventricular Dysplasia/Cardiomyopathy 9; ARRHYTHMOGENIC RIGHT VENTRICULAR DYSPLASIA, FAMILIAL, 9. Identifiers: MedGen C1836906, MONDO:0012180, OMIM 609040.

Submissions (2):

Labcorp Genetics (formerly Invitae), Labcorp
Classification: Uncertain significance for Arrhythmogenic right ventricular dysplasia 9. Last evaluated: 2023-12-12. Review status: criteria provided, single submitter. Criteria: Invitae Variant Classification Sherloc (09022015). Collection method: clinical testing. Allele origin: germline.
Comment: This sequence change replaces leucine, which is neutral and non-polar, with proline, which is neutral and non-polar, at codon 614 of the PKP2 protein (p.Leu614Pro). This variant is not present in population databases (gnomAD no frequency). This missense change has been observed in individuals with arrhythmogenic right ventricular cardiomyopathy (PMID: 22798562; Invitae). An algorithm developed to predict the effect of missense changes on protein structure and function (PolyPhen-2) suggests that this variant is likely to be disruptive. In summary, the available evidence is currently insufficient to determine the role of this variant in disease. Therefore, it has been classified as a Variant of Uncertain Significance.

Servicio Canario de Salud, Hospital Universitario Nuestra Sra. de Candelaria
Classification: Likely pathogenic for Arrhythmogenic right ventricular dysplasia 9. Last evaluated: 2023-12-06. Review status: criteria provided, single submitter. Criteria: ACMG Guidelines, 2015. Collection method: clinical testing. Allele origin: unknown. Inheritance: Autosomal dominant inheritance. Affected: yes. Observed: 1 heterozygote.
Comment: Permanent atrial fibrillation. This variant has never been reported in PKP2 related-disorders. This variant was absent from large population studies (gnomAD no frequency). In summary, the available evidence for c.1841T>C p.(Leu614Pro) PKP2 variant meets our criteria to be classified as Likely Pathogenic based upon its absence from controls and the clinical correlation in this patient´s phenotype.

Literature cited by the submitters: PubMed 22798562 (cited by Labcorp Genetics (formerly Invitae), Labcorp).

NM_001005242.3(PKP2):c.1709T>C (p.Leu570Pro)

Gene: PKP2 (plakophilin 2; minus strand). Cytogenetic location: 12p11.21.
Variant type: single nucleotide variant.
Coding change: c.1709T>C on transcript NM_001005242.3 (MANE Select); coding-DNA position 1709, T replaced by C.
Protein change: p.Leu570Pro; replaces leucine 570 with proline.
Molecular consequence: missense variant. On other transcripts: intron variant (1).
Genome position (GRCh38, 1-based): chr12:32,822,597, A>G on the plus strand (T>C on the coding strand, the complement: PKP2 is on the minus strand). VCF-style: chr12-32822597-A-G. GRCh37 (hg19) VCF-style: chr12-32975531-A-G.
Other names: c.1709T>C, p.Leu570Pro (NM_001407155.1, NM_001407161.1); c.1841T>C, p.Leu614Pro (NM_001407157.1, NM_004572.4); c.1382T>C, p.Leu461Pro (NM_001407158.1, NM_001407159.1, NM_001407160.1 and 1 more transcripts); c.1675-1068T>C (NM_001407156.1); short protein forms L461P, L570P, L614P.
Identifiers: ClinVar variation 2664469 (VCV002664469.5), dbSNP rs2541231979, ClinGen allele CA384363440.
Genomic context (GRCh38, chr12:32,822,597, plus strand): 5'-TTTTGAATATAGATATTCTGGGAATATTTCTCTGGGAGCTCTGCCTCCAGCTGGTAGGAG[A>G]GGTTATGAAGAATGCACACACAATTCTCCGTGGCCTGAGAAAACAGGACAAGAATATTGA-3'
Protein context (NP_001005242.2, residues 560-580): TENCVCILHN[Leu570Pro]SYQLEAELPE